The following is an entry in ClinVar:

ClinVar aggregate classification (germline): Uncertain significance (1 of 4 stars; one submission).

Allele frequency attached by ClinVar (database versions not stated): ExAC 0.00001.

Submission:

Labcorp Genetics (formerly Invitae), Labcorp
Classification: Uncertain significance. Last evaluated: 2025-04-21. Review status: criteria provided, single submitter. Criteria: Invitae Variant Classification Sherloc (09022015). Collection method: clinical testing. Allele origin: germline.
Comment: This sequence change replaces arginine, which is basic and polar, with histidine, which is basic and polar, at codon 171 of the GUCA1B protein (p.Arg171His). This variant is present in population databases (rs778730488, gnomAD 0.003%). This variant has not been reported in the literature in individuals affected with GUCA1B-related conditions. ClinVar contains an entry for this variant (Variation ID: 1904340). An algorithm developed to predict the effect of missense changes on protein structure and function (PolyPhen-2) suggests that this variant is likely to be disruptive. In summary, the available evidence is currently insufficient to determine the role of this variant in disease. Therefore, it has been classified as a Variant of Uncertain Significance.

NM_002098.6(GUCA1B):c.512G>A (p.Arg171His)

Gene: GUCA1B (guanylate cyclase activator 1B; minus strand). Cytogenetic location: 6p21.1.
Variant type: single nucleotide variant.
Coding change: c.512G>A on transcript NM_002098.6 (MANE Select); coding-DNA position 512, G replaced by A.
Protein change: p.Arg171His; replaces arginine 171 with histidine.
Molecular consequence: missense variant.
Genome position (GRCh38, 1-based): chr6:42,184,906, C>T on the plus strand (G>A on the coding strand, the complement: GUCA1B is on the minus strand). VCF-style: chr6-42184906-C-T. GRCh37 (hg19) VCF-style: chr6-42152644-C-T.
Other names: short protein forms R171H.
Identifiers: ClinVar variation 1904340 (VCV001904340.5), dbSNP rs778730488, ClinGen allele CA3805509.